The following is an entry in ClinVar:

NM_016239.4(MYO15A):c.4719G>A (p.Ala1573=)

Gene: MYO15A (myosin XVA; plus strand). Cytogenetic location: 17p11.2.
Variant type: single nucleotide variant.
Coding change: c.4719G>A on transcript NM_016239.4 (MANE Select); coding-DNA position 4719, G replaced by A.
Protein change: p.Ala1573=; no amino-acid change (alanine 1573 retained).
Molecular consequence: synonymous variant.
Genome position (GRCh38, 1-based): chr17:18,136,626, G>A. VCF-style: chr17-18136626-G-A. GRCh37 (hg19) VCF-style: chr17-18039940-G-A.
Identifiers: ClinVar variation 178441 (VCV000178441.60), dbSNP rs186426892, ClinGen allele CA182341.
Genomic context (GRCh38, chr17:18,136,626, plus strand): 5'-CGCCATCGCCAAGGTCTTGTATGCACTGCTGTTCAGCTGGCTCATCACCAGGGTCAACGC[G>A]CTGGTGTCCCCAAGGCAGGACACACTGTCCATCGCCATCCTGGACATCTATGGTTTCGAG-3'
Protein context (NP_057323.3, residues 1563-1583): LFSWLITRVN[Ala1573=]LVSPRQDTLS

ClinVar aggregate classification (germline): Conflicting classifications of pathogenicity. Review status: criteria provided, conflicting classifications (1 of 4 stars). 7 submissions from 7 submitters: Uncertain significance (1); Benign (2); Likely benign (4). Last evaluated 2026-07-01.

Conditions:
Autosomal recessive nonsyndromic hearing loss 3. Also called: NEUROSENSORY NONSYNDROMIC RECESSIVE DEAFNESS 3. Identifiers: Orphanet 90636, MedGen C1838263, MONDO:0010860, OMIM 600316.

Allele frequency attached by ClinVar (database versions not stated): ESP Exome Variant Server 0.00116; gnomAD exomes 0.00146; ExAC 0.00160; TOPMed 0.00169; 1000 Genomes Project 0.00180; 1000 Genomes Project 30x 0.00219.
gnomAD v4.1: 2,931 of 1,613,642 alleles (0.18%); highest among the groups gnomAD compares: Middle Eastern, 0.66%; 11 homozygotes.

Submissions (7):

CeGaT Center for Human Genetics Tuebingen
Classification: Likely benign. Last evaluated: 2026-07-01. Review status: criteria provided, single submitter. Criteria: CeGaT Center For Human Genetics Tuebingen Variant Classification Criteria Version 2. Collection method: clinical testing. Allele origin: germline. Affected: yes. Observed: 5 variant alleles.
Comment: MYO15A: BP4, BP7

Labcorp Genetics (formerly Invitae), Labcorp
Classification: Likely benign. Last evaluated: 2026-01-28. Review status: criteria provided, single submitter. Criteria: Invitae Variant Classification Sherloc (09022015). Collection method: clinical testing. Allele origin: germline.

Blueprint Genetics
Classification: Likely benign. Last evaluated: 2024-11-25. Review status: criteria provided, single submitter. Criteria: ACMG Guidelines, 2015. Collection method: clinical testing. Allele origin: germline.

Athena Diagnostics
Classification: Benign. Last evaluated: 2020-08-24. Review status: criteria provided, single submitter. Criteria: Athena Diagnostics criteria. Collection method: clinical testing. Allele origin: unknown.

GeneDx
Classification: Benign. Last evaluated: 2019-07-11. Review status: criteria provided, single submitter. Criteria: GeneDx Variant Classification Process June 2021. Collection method: clinical testing. Allele origin: germline. Affected: yes.

Illumina Laboratory Services, Illumina
Classification: Uncertain significance for Autosomal recessive nonsyndromic hearing loss 3. Last evaluated: 2018-01-13. Review status: criteria provided, single submitter. Criteria: ICSL Variant Classification Criteria 13 December 2019. Collection method: clinical testing. Allele origin: germline.

Laboratory for Molecular Medicine, Mass General Brigham Personalized Medicine
Classification: Likely benign. Last evaluated: 2016-03-31. Review status: criteria provided, single submitter. Criteria: LMM Criteria. Collection method: clinical testing. Allele origin: germline. Observed: 8 variant alleles.
Comment: p.Ala1573Ala in exon 15 of MYO15A: This variant is not expected to have clinical significance because it does not alter an amino acid residue, is not located wi thin the splice consensus sequence, and has been identified in 0.2% (134/64560) of European chromosomes by the Exome Aggregation Consortium (ExAC; dbSNP rs186426892).